The following is an entry in ClinVar:

ClinVar aggregate classification (germline): Uncertain significance (1 of 4 stars; one submission).

Conditions:
Pityriasis rubra pilaris (PRP). Also called: Pityriasis rubra pilaris--familial type. Identifiers: Orphanet 2897, MedGen C0032027, MONDO:0100017, OMIM 173200, MONDO:0008251.
Psoriasis 2. Identifiers: MedGen C1864497, MONDO:0011269, OMIM 602723.

gnomAD v4.1: 5 of 1,613,244 alleles (0.00031%); highest among the groups gnomAD compares: South Asian, 0.0011%; no homozygotes.

Submission:

Labcorp Genetics (formerly Invitae), Labcorp
Classification: Uncertain significance for Pityriasis rubra pilaris; Psoriasis 2. Last evaluated: 2025-08-11. Review status: criteria provided, single submitter. Criteria: Invitae Variant Classification Sherloc (09022015). Collection method: clinical testing. Allele origin: germline.
Comment: This sequence change replaces valine, which is neutral and non-polar, with leucine, which is neutral and non-polar, at codon 598 of the CARD14 protein (p.Val598Leu). This variant is present in population databases (rs780730313, gnomAD 0.003%). This variant has not been reported in the literature in individuals affected with CARD14-related conditions. Invitae Evidence Modeling of protein sequence and biophysical properties (such as structural, functional, and spatial information, amino acid conservation, physicochemical variation, residue mobility, and thermodynamic stability) has been performed for this missense variant. However, the output from this modeling did not meet the statistical confidence thresholds required to predict the impact of this variant on CARD14 protein function. In summary, the available evidence is currently insufficient to determine the role of this variant in disease. Therefore, it has been classified as a Variant of Uncertain Significance.

NM_001366385.1(CARD14):c.1792G>C (p.Val598Leu)

Gene: CARD14 (caspase recruitment domain family member 14; plus strand). Cytogenetic location: 17q25.3.
Variant type: single nucleotide variant.
Coding change: c.1792G>C on transcript NM_001366385.1 (MANE Select); coding-DNA position 1792, G replaced by C.
Protein change: p.Val598Leu; replaces valine 598 with leucine.
Molecular consequence: missense variant. On other transcripts: non-coding transcript variant (1).
Genome position (GRCh38, 1-based): chr17:80,198,532, G>C. VCF-style: chr17-80198532-G-C. GRCh37 (hg19) VCF-style: chr17-78172331-G-C.
Other names: c.1792G>C, p.Val598Leu (NM_001257970.1, NM_024110.4); c.1081G>C, p.Val361Leu (NM_052819.3); short protein forms V361L, V598L.
Identifiers: ClinVar variation 4787659 (VCV004787659.1).